The following is an entry in ClinVar:

NM_000532.5(PCCB):c.747C>T (p.Thr249=)

Gene: PCCB (propionyl-CoA carboxylase subunit beta; plus strand). Cytogenetic location: 3q22.3.
Variant type: single nucleotide variant.
Coding change: c.747C>T on transcript NM_000532.5 (MANE Select); coding-DNA position 747, C replaced by T.
Protein change: p.Thr249=; no amino-acid change (threonine 249 retained).
Molecular consequence: synonymous variant.
Genome position (GRCh38, 1-based): chr3:136,293,848, C>T. VCF-style: chr3-136293848-C-T. GRCh37 (hg19) VCF-style: chr3-136012690-C-T.
Other names: c.807C>T, p.Thr269= (NM_001178014.2).
Identifiers: ClinVar variation 512029 (VCV000512029.10), dbSNP rs746448544, ClinGen allele CA2631847.

ClinVar aggregate classification (germline): Likely benign. Review status: criteria provided, multiple submitters, no conflicts (2 of 4 stars). 2 submissions from 2 submitters: Likely benign (2). Last evaluated 2025-12-28.

Conditions:
Propionic acidemia (PROP). Also called: GLYCINEMIA, KETOTIC; HYPERGLYCINEMIA WITH KETOACIDOSIS AND LEUKOPENIA; KETOTIC HYPERGLYCINEMIA. Identifiers: Orphanet 35, MedGen C0268579, MONDO:0011628, OMIM 606054, HP:0003571.

Allele frequency attached by ClinVar (database versions not stated): gnomAD 0.00001; gnomAD exomes 0.00001 and 0.00003; ExAC 0.00002; TOPMed 0.00002.
gnomAD v4.1: 47 of 1,592,254 alleles (0.003%); highest among the groups gnomAD compares: Non-Finnish European, 0.0036%; no homozygotes.

Submissions (2):

Labcorp Genetics (formerly Invitae), Labcorp
Classification: Likely benign for Propionic acidemia. Last evaluated: 2025-12-28. Review status: criteria provided, single submitter. Criteria: Invitae Variant Classification Sherloc (09022015). Collection method: clinical testing. Allele origin: germline.

GeneDx
Classification: Likely benign. Last evaluated: 2017-10-05. Review status: criteria provided, single submitter. Criteria: GeneDx Variant Classification (06012015). Collection method: clinical testing. Allele origin: germline. Affected: yes.
Comment: This variant is considered likely benign or benign based on one or more of the following criteria: it is a conservative change, it occurs at a poorly conserved position in the protein, it is predicted to be benign by multiple in silico algorithms, and/or has population frequency not consistent with disease.